The following is an entry in ClinVar:

ClinVar aggregate classification (germline): Benign (1 of 4 stars; one submission).

Allele frequency attached by ClinVar (database versions not stated): 1000 Genomes Project 30x 0.11430; 1000 Genomes Project 0.11641; gnomAD 0.17030 and 0.17356; TOPMed 0.17523.
gnomAD v4.1: 96,965 of 483,504 alleles (20%); highest among the groups gnomAD compares: Non-Finnish European, 25%; 11,325 homozygotes.

Submission:

GeneDx
Classification: Benign. Last evaluated: 2018-06-18. Review status: criteria provided, single submitter. Criteria: GeneDx Variant Classification (06012015). Collection method: clinical testing. Allele origin: germline. Affected: yes.
Comment: This variant is considered likely benign or benign based on one or more of the following criteria: it is a conservative change, it occurs at a poorly conserved position in the protein, it is predicted to be benign by multiple in silico algorithms, and/or has population frequency not consistent with disease.

NM_001271.4(CHD2):c.1719+235G>A

Gene: CHD2 (chromodomain helicase DNA binding protein 2; plus strand). Cytogenetic location: 15q26.1.
Variant type: single nucleotide variant.
Coding change: c.1719+235G>A on transcript NM_001271.4 (MANE Select); 235 bases into the intron after coding-DNA position 1719, G replaced by A.
Molecular consequence: intron variant.
Genome position (GRCh38, 1-based): chr15:92,953,808, G>A. VCF-style: chr15-92953808-G-A. GRCh37 (hg19) VCF-style: chr15-93497038-G-A.
Identifiers: ClinVar variation 680217 (VCV000680217.1), dbSNP rs35596808, ClinGen allele CA15838529.